The following is an entry in ClinVar:

NM_004284.6(CHD1L):c.2217C>T (p.Cys739=)

Gene: CHD1L (chromodomain helicase DNA binding protein 1 like; plus strand). Cytogenetic location: 1q21.1.
Variant type: single nucleotide variant.
Coding change: c.2217C>T on transcript NM_004284.6 (MANE Select); coding-DNA position 2217, C replaced by T.
Protein change: p.Cys739=; no amino-acid change (cysteine 739 retained).
Molecular consequence: synonymous variant. On other transcripts: non-coding transcript variant (16).
Genome position (GRCh38, 1-based): chr1:147,286,496, C>T. VCF-style: chr1-147286496-C-T. GRCh37 (hg19) VCF-style: chr1-146758173-C-T.
Other names: c.1917C>T, p.Cys639= (NM_001256336.3); c.1374C>T, p.Cys458= (NM_001256337.3, NM_001348456.2, NM_001348457.2 and 9 more transcripts); c.1605C>T, p.Cys535= (NM_001256338.3); c.2001C>T, p.Cys667= (NM_001348451.2, NM_001348452.2); c.1878C>T, p.Cys626= (NM_001348453.2, NM_024568.4); c.1761C>T, p.Cys587= (NM_001348454.2); c.1728C>T, p.Cys576= (NM_001348455.2).
Identifiers: ClinVar variation 4993178 (VCV004993178.1).

ClinVar aggregate classification (germline): Likely benign (1 of 4 stars; one submission).

Conditions:
CHD1L-related disorder. Also called: CHD1L-related condition.

gnomAD v4.1: 352 of 1,613,314 alleles (0.022%); highest among the groups gnomAD compares: East Asian, 0.65%; 2 homozygotes.

Submission:

PreventionGenetics, part of Exact Sciences
Classification: Likely benign for CHD1L-related condition. Last evaluated: 2026-06-03. Review status: criteria provided, single submitter. Criteria: ACMG Guidelines, 2015. Collection method: clinical testing. Allele origin: germline.
Comment: This variant is classified as likely benign based on ACMG/AMP sequence variant interpretation guidelines (Richards et al. 2015 PMID: 25741868, with internal and published modifications).